The following is an entry in ClinVar:

NM_144670.6(A2ML1):c.3730G>T (p.Ala1244Ser)

Gene: A2ML1 (alpha-2-macroglobulin like 1; plus strand). Cytogenetic location: 12p13.31.
Variant type: single nucleotide variant.
Coding change: c.3730G>T on transcript NM_144670.6 (MANE Select); coding-DNA position 3730, G replaced by T.
Protein change: p.Ala1244Ser; replaces alanine 1244 with serine.
Molecular consequence: missense variant.
Genome position (GRCh38, 1-based): chr12:8,867,854, G>T. VCF-style: chr12-8867854-G-T. GRCh37 (hg19) VCF-style: chr12-9020450-G-T.
Other names: c.2257G>T, p.Ala753Ser (NM_001282424.3); short protein forms A1244S, A753S.
Identifiers: ClinVar variation 2564143 (VCV002564143.2), dbSNP rs2539307233, ClinGen allele CA383843902.

ClinVar aggregate classification (germline): Uncertain significance (1 of 4 stars; one submission).

Submission:

Ambry Genetics
Classification: Uncertain significance. Last evaluated: 2023-05-11. Review status: criteria provided, single submitter. Criteria: Ambry Variant Classification Scheme 2023. Collection method: clinical testing. Allele origin: germline.
Comment: The p.A1244S variant (also known as c.3730G>T), located in coding exon 30 of the A2ML1 gene, results from a G to T substitution at nucleotide position 3730. The alanine at codon 1244 is replaced by serine, an amino acid with similar properties. This amino acid position is conserved. In addition, this alteration is predicted to be tolerated by in silico analysis. Since supporting evidence is limited at this time, the clinical significance of this alteration remains unclear.